The following is an entry in ClinVar:

ClinVar aggregate classification (germline): Pathogenic (1 of 4 stars; one submission).

Conditions:
Osteogenesis imperfecta type I (OI1). Also called: OI, TYPE I; OSTEOGENESIS IMPERFECTA TARDA; OSTEOGENESIS IMPERFECTA WITH BLUE SCLERAE; Osteogenesis imperfecta type 1; Lobstein's Disease; Lobstein disease. Identifiers: Orphanet 216796, Orphanet 666, MedGen C0023931, MONDO:0008146, OMIM 166200. Disease mechanism: loss of function.

Submission:

Labcorp Genetics (formerly Invitae), Labcorp
Classification: Pathogenic for Osteogenesis imperfecta type I. Last evaluated: 2017-02-25. Review status: criteria provided, single submitter. Criteria: Invitae Variant Classification Sherloc (09022015). Collection method: clinical testing. Allele origin: germline.
Comment: For these reasons, this variant has been classified as Pathogenic. While this particular variant has not been reported in the literature, loss-of-function variants in COL1A1 are known to be pathogenic (PMID: 9443882, 9295084, 7942841). This sequence change inserts 1 nucleotide in exon 10 of the COL1A1 mRNA (c.731_732insC), causing a frameshift at codon 245. This creates a premature translational stop signal (p.Gly245Trpfs*42) and is expected to result in an absent or disrupted protein product.

Literature cited by the submitters: PubMed 9443882; PubMed 9295084; PubMed 7942841.

NM_000088.4(COL1A1):c.731_732insC (p.Gly245fs)

Genes: COL1A1 (collagen type I alpha 1 chain; minus strand), LOC126862586 (CDK7 strongly-dependent group 2 enhancer GRCh37_chr17:48273702-48274901; plus strand). Cytogenetic location: 17q21.33.
Variant type: Insertion.
Coding change: c.731_732insC on transcript NM_000088.4 (MANE Select); coding-DNA positions 731 to 732, C inserted.
Protein change: p.Gly245fs; shifts the reading frame from glycine 245.
Molecular consequence: frameshift variant.
Genome position: GRCh38 VCF-style: chr17-50197198-A-AG. GRCh37 (hg19) VCF-style: chr17-48274559-A-AG.
Other names: short protein forms G245fs.
Identifiers: ClinVar variation 456794 (VCV000456794.7), dbSNP rs1555574553, ClinGen allele CA658656722.